The following is an entry in ClinVar:

ClinVar aggregate classification (germline): Pathogenic. Review status: criteria provided, multiple submitters, no conflicts (2 of 4 stars). 2 submissions from 2 submitters: Pathogenic (2). Last evaluated 2026-04-16.

Conditions:
Hereditary cancer-predisposing syndrome. Also called: Tumor predisposition; Hereditary neoplastic syndrome; Neoplastic Syndromes, Hereditary; Hereditary Cancer Syndrome. Identifiers: Orphanet 140162, MedGen C0027672, MeSH D009386, MONDO:0015356.

Submissions (2):

Ambry Genetics
Classification: Pathogenic for Hereditary cancer-predisposing syndrome. Last evaluated: 2026-04-16. Review status: criteria provided, single submitter. Criteria: Ambry Variant Classification Scheme 2023. Collection method: clinical testing. Allele origin: germline.
Comment: The c.2831_2832insCA pathogenic mutation, located in coding exon 21 of the MSH3 gene, results from an insertion of two nucleotides at position 2831, causing a translational frameshift with a predicted alternate stop codon (p.K947Ifs*11). This variant is considered to be rare based on population cohorts in the Genome Aggregation Database (gnomAD). This alteration is expected to result in loss of function by premature protein truncation or nonsense-mediated mRNA decay. As such, this alteration is interpreted as a disease-causing mutation.

Labcorp Genetics (formerly Invitae), Labcorp
Classification: Pathogenic. Last evaluated: 2023-08-27. Review status: criteria provided, single submitter. Criteria: Invitae Variant Classification Sherloc (09022015). Collection method: clinical testing. Allele origin: germline.
Comment: For these reasons, this variant has been classified as Pathogenic. This variant has not been reported in the literature in individuals affected with MSH3-related conditions. This variant is not present in population databases (gnomAD no frequency). This sequence change creates a premature translational stop signal (p.Lys947Ilefs*11) in the MSH3 gene. It is expected to result in an absent or disrupted protein product. Loss-of-function variants in MSH3 are known to be pathogenic (PMID: 27476653, 37402566).

Literature cited by the submitters: PubMed 27476653 (cited by Labcorp Genetics (formerly Invitae), Labcorp); PubMed 37402566 (cited by Labcorp Genetics (formerly Invitae), Labcorp).

NM_002439.5(MSH3):c.2831_2832insCA (p.Lys947fs)

Gene: MSH3 (mutS homolog 3; plus strand). Cytogenetic location: 5q14.1.
Variant type: Insertion.
Coding change: c.2831_2832insCA on transcript NM_002439.5 (MANE Select); coding-DNA positions 2831 to 2832, CA inserted.
Protein change: p.Lys947fs; shifts the reading frame from lysine 947.
Molecular consequence: frameshift variant.
Genome position: GRCh38 VCF-style: chr5-80854146-A-AAC. GRCh37 (hg19) VCF-style: chr5-80149965-A-AAC.
Other names: c.2831_2832insCA (NM_002439.3); short protein forms K947fs.
Identifiers: ClinVar variation 2755423 (VCV002755423.4), dbSNP rs2478771456, ClinGen allele CA2697546221.